The following is an entry in ClinVar:

NM_000535.7(PMS2):c.274A>G (p.Ile92Val)

Gene: PMS2 (PMS1 homolog 2, mismatch repair system component; minus strand). Cytogenetic location: 7p22.1.
Variant type: single nucleotide variant.
Coding change: c.274A>G on transcript NM_000535.7 (MANE Select); coding-DNA position 274, A replaced by G.
Protein change: p.Ile92Val; replaces isoleucine 92 with valine.
Molecular consequence: missense variant. On other transcripts: 5 prime UTR variant (9), non-coding transcript variant (1), intron variant (2).
Genome position (GRCh38, 1-based): chr7:6,003,769, T>C on the plus strand (A>G on the coding strand, the complement: PMS2 is on the minus strand). VCF-style: chr7-6003769-T-C. GRCh37 (hg19) VCF-style: chr7-6043400-T-C.
Other names: c.-132A>G (NM_001322003.2, NM_001322004.2, NM_001322005.2 and 3 more transcripts); c.274A>G, p.Ile92Val (NM_001322006.2, NM_001322014.2); c.-611A>G (NM_001322011.2, NM_001322012.2); c.-211A>G (NM_001322015.2); c.35+203A>G (NM_001322008.2, NM_001322007.2); short protein forms I92V.
Identifiers: ClinVar variation 1011289 (VCV001011289.12), dbSNP rs1333262869, ClinGen allele CA366744683.

ClinVar aggregate classification (germline): Uncertain significance. Review status: criteria provided, multiple submitters, no conflicts (2 of 4 stars). 4 submissions from 4 submitters: Uncertain significance (4). Last evaluated 2025-06-29.

Conditions:
Hereditary nonpolyposis colorectal neoplasms. Identifiers: MedGen C0009405, MeSH D003123.
Hereditary cancer-predisposing syndrome. Also called: Tumor predisposition; Hereditary neoplastic syndrome; Neoplastic Syndromes, Hereditary; Hereditary Cancer Syndrome. Identifiers: Orphanet 140162, MedGen C0027672, MeSH D009386, MONDO:0015356.
Lynch syndrome 4 (LYNCH4). Also called: Hereditary non-polyposis colorectal cancer, type 4; Colorectal cancer, hereditary nonpolyposis, type 4. Identifiers: Orphanet 144, MedGen C1838333, MONDO:0013699, OMIM 614337. Disease mechanism: loss of function.

Allele frequency attached by ClinVar (database versions not stated): gnomAD exomes below 0.00001; TOPMed below 0.00001.
gnomAD v4.1: 5 of 1,605,176 alleles (0.00031%); highest among the groups gnomAD compares: Non-Finnish European, 0.00042%; no homozygotes.

Submissions (4):

Color Diagnostics, LLC DBA Color Health
Classification: Uncertain significance for Hereditary cancer-predisposing syndrome. Last evaluated: 2025-06-29. Review status: criteria provided, single submitter. Criteria: ACMG Guidelines, 2015. Collection method: clinical testing. Allele origin: germline.
Comment: This missense variant replaces isoleucine with valine at codon 92 of the PMS2 protein. Computational prediction is inconclusive regarding the impact of this variant on protein structure and function. To our knowledge, functional studies have not been reported for this variant. This variant has not been reported in individuals affected with PMS2-related disorders in the literature. This variant has been identified in 1/241610 chromosomes in the general population by the Genome Aggregation Database (gnomAD). The available evidence is insufficient to determine the role of this variant in disease conclusively. Therefore, this variant is classified as a Variant of Uncertain Significance.

Labcorp Genetics (formerly Invitae), Labcorp
Classification: Uncertain significance for Hereditary nonpolyposis colorectal neoplasms. Last evaluated: 2024-02-17. Review status: criteria provided, single submitter. Criteria: Invitae Variant Classification Sherloc (09022015). Collection method: clinical testing. Allele origin: germline.
Comment: This sequence change replaces isoleucine, which is neutral and non-polar, with valine, which is neutral and non-polar, at codon 92 of the PMS2 protein (p.Ile92Val). This variant is present in population databases (no rsID available, gnomAD 0.0009%). This variant has not been reported in the literature in individuals affected with PMS2-related conditions. ClinVar contains an entry for this variant (Variation ID: 1011289). Advanced modeling of protein sequence and biophysical properties (such as structural, functional, and spatial information, amino acid conservation, physicochemical variation, residue mobility, and thermodynamic stability) performed at Invitae indicates that this missense variant is expected to disrupt PMS2 protein function with a positive predictive value of 80%. RNA analysis performed to evaluate the impact of this missense change on mRNA splicing indicates it does not significantly alter splicing (Invitae). In summary, the available evidence is currently insufficient to determine the role of this variant in disease. Therefore, it has been classified as a Variant of Uncertain Significance.

Baylor Genetics
Classification: Uncertain significance for Lynch syndrome 4. Last evaluated: 2023-11-28. Review status: criteria provided, single submitter. Criteria: ACMG Guidelines, 2015. Collection method: clinical testing. Allele origin: unknown.

Ambry Genetics
Classification: Uncertain significance for Hereditary cancer-predisposing syndrome. Last evaluated: 2022-07-25. Review status: criteria provided, single submitter. Criteria: Ambry Variant Classification Scheme 2023. Collection method: clinical testing. Allele origin: germline.
Comment: The p.I92V variant (also known as c.274A>G), located in coding exon 4 of the PMS2 gene, results from an A to G substitution at nucleotide position 274. The isoleucine at codon 92 is replaced by valine, an amino acid with highly similar properties. This amino acid position is well conserved in available vertebrate species. In addition, the in silico prediction for this alteration is inconclusive. Since supporting evidence is limited at this time, the clinical significance of this alteration remains unclear.